The following is an entry in ClinVar:

NM_001042492.3(NF1):c.4817T>C (p.Phe1606Ser)

Gene: NF1 (neurofibromin 1; plus strand). Cytogenetic location: 17q11.2.
Variant type: single nucleotide variant.
Coding change: c.4817T>C on transcript NM_001042492.3 (MANE Select); coding-DNA position 4817, T replaced by C.
Protein change: p.Phe1606Ser; replaces phenylalanine 1606 with serine.
Molecular consequence: missense variant.
Genome position (GRCh38, 1-based): chr17:31,265,321, T>C. VCF-style: chr17-31265321-T-C. GRCh37 (hg19) VCF-style: chr17-29592339-T-C.
Other names: c.4754T>C, p.Phe1585Ser (NM_000267.4); short protein forms F1585S, F1606S.
Identifiers: ClinVar variation 2699137 (VCV002699137.3), dbSNP rs2508445717, ClinGen allele CA399001354.

ClinVar aggregate classification (germline): Uncertain significance (1 of 4 stars; one submission).

Conditions:
Neurofibromatosis, type 1 (NF1). Also called: Peripheral type neurofibromatosis; VON RECKLINGHAUSEN DISEASE; Neurofibromatosis, type I; NEUROFIBROMATOSIS, TYPE I, SOMATIC. Identifiers: Orphanet 636, MedGen C0027831, MONDO:0018975, OMIM 162200. Disease mechanism: loss of function.

Submission:

Labcorp Genetics (formerly Invitae), Labcorp
Classification: Uncertain significance for Neurofibromatosis, type 1. Last evaluated: 2023-06-09. Review status: criteria provided, single submitter. Criteria: Invitae Variant Classification Sherloc (09022015). Collection method: clinical testing. Allele origin: germline.
Comment: In summary, the available evidence is currently insufficient to determine the role of this variant in disease. Therefore, it has been classified as a Variant of Uncertain Significance. Advanced modeling of protein sequence and biophysical properties (such as structural, functional, and spatial information, amino acid conservation, physicochemical variation, residue mobility, and thermodynamic stability) performed at Invitae indicates that this missense variant is expected to disrupt NF1 protein function. This variant has not been reported in the literature in individuals affected with NF1-related conditions. This variant is not present in population databases (gnomAD no frequency). This sequence change replaces phenylalanine, which is neutral and non-polar, with serine, which is neutral and polar, at codon 1585 of the NF1 protein (p.Phe1585Ser).